The following is an entry in ClinVar:

NM_032638.5(GATA2):c.1325A>G (p.His442Arg)

Gene: GATA2 (GATA binding protein 2; minus strand). Cytogenetic location: 3q21.3.
Variant type: single nucleotide variant.
Coding change: c.1325A>G on transcript NM_032638.5 (MANE Select); coding-DNA position 1325, A replaced by G.
Protein change: p.His442Arg; replaces histidine 442 with arginine.
Molecular consequence: missense variant.
Genome position (GRCh38, 1-based): chr3:128,481,137, T>C on the plus strand (A>G on the coding strand, the complement: GATA2 is on the minus strand). VCF-style: chr3-128481137-T-C. GRCh37 (hg19) VCF-style: chr3-128199980-T-C.
Other names: c.1325A>G, p.His442Arg (NM_001145661.2); c.1283A>G, p.His428Arg (NM_001145662.1); short protein forms H428R, H442R.
Identifiers: ClinVar variation 2951817 (VCV002951817.3), dbSNP rs1009940359, ClinGen allele CA354412758.

ClinVar aggregate classification (germline): Uncertain significance (1 of 4 stars; one submission).

Conditions:
Monocytopenia with susceptibility to infections. Also called: MONOCYTOPENIA AND MYCOBACTERIAL INFECTION SYNDROME; MONOCYTOPENIA WITH SUSCEPTIBILITY TO MYCOBACTERIAL, FUNGAL, AND PAPILLOMAVIRUS INFECTIONS AND MYELODYSPLASIA; COMBINED IMMUNODEFICIENCY WITH SUSCEPTIBILITY TO MYCOBACTERIAL, VIRAL, AND FUNGAL INFECTIONS; Dendritic cell, monocyte, B lymphocyte, and natural killer lymphocyte deficiency; IMMUNODEFICIENCY 21; GATA2 DEFICIENCY. Identifiers: Orphanet 228423, MedGen C3280030, MONDO:0013607, OMIM 614172.
Deafness-lymphedema-leukemia syndrome. Also called: Lymphedema, primary, with myelodysplasia; Emberger syndrome. Identifiers: Orphanet 3226, MedGen C3279664, MONDO:0013540, OMIM 614038.

Submission:

Labcorp Genetics (formerly Invitae), Labcorp
Classification: Uncertain significance for Monocytopenia with susceptibility to infections; Deafness-lymphedema-leukemia syndrome. Last evaluated: 2023-09-10. Review status: criteria provided, single submitter. Criteria: Invitae Variant Classification Sherloc (09022015). Collection method: clinical testing. Allele origin: germline.
Comment: This sequence change replaces histidine, which is basic and polar, with arginine, which is basic and polar, at codon 442 of the GATA2 protein (p.His442Arg). This variant is not present in population databases (gnomAD no frequency). This variant has not been reported in the literature in individuals affected with GATA2-related conditions. Advanced modeling of protein sequence and biophysical properties (such as structural, functional, and spatial information, amino acid conservation, physicochemical variation, residue mobility, and thermodynamic stability) has been performed at Invitae for this missense variant, however the output from this modeling did not meet the statistical confidence thresholds required to predict the impact of this variant on GATA2 protein function. In summary, the available evidence is currently insufficient to determine the role of this variant in disease. Therefore, it has been classified as a Variant of Uncertain Significance.